The following is an entry in ClinVar:

ClinVar aggregate classification (germline): Conflicting classifications of pathogenicity. Review status: criteria provided, conflicting classifications (1 of 4 stars). 2 submissions from 2 submitters: Uncertain significance (1); Likely benign (1). Last evaluated 2025-02-02.

Conditions:
D-2-hydroxyglutaric aciduria 2 (D2HGA2). Identifiers: Orphanet 79315, MedGen C3150909, MONDO:0013345, OMIM 613657.

Allele frequency attached by ClinVar (database versions not stated): ExAC 0.00003; gnomAD exomes 0.00005 and 0.00006; TOPMed 0.00006; gnomAD 0.00009; ESP Exome Variant Server 0.00015; 1000 Genomes Project 30x 0.00016; 1000 Genomes Project 0.00020.
gnomAD v4.1: 88 of 1,614,214 alleles (0.0055%); highest among the groups gnomAD compares: Middle Eastern, 0.05%; no homozygotes.

Submissions (2):

Labcorp Genetics (formerly Invitae), Labcorp
Classification: Uncertain significance for D-2-hydroxyglutaric aciduria 2. Last evaluated: 2025-02-02. Review status: criteria provided, single submitter. Criteria: Invitae Variant Classification Sherloc (09022015). Collection method: clinical testing. Allele origin: germline.
Comment: This sequence change replaces isoleucine, which is neutral and non-polar, with threonine, which is neutral and polar, at codon 98 of the IDH2 protein (p.Ile98Thr). This variant is present in population databases (rs139512088, gnomAD 0.02%). This missense change has been observed in individual(s) with sudden cardiac arrest (PMID: 30975432). ClinVar contains an entry for this variant (Variation ID: 837402). Invitae Evidence Modeling of protein sequence and biophysical properties (such as structural, functional, and spatial information, amino acid conservation, physicochemical variation, residue mobility, and thermodynamic stability) indicates that this missense variant is not expected to disrupt IDH2 protein function with a negative predictive value of 80%. In summary, the available evidence is currently insufficient to determine the role of this variant in disease. Therefore, it has been classified as a Variant of Uncertain Significance.

Blueprint Genetics
Classification: Likely benign. Last evaluated: 2023-07-03. Review status: criteria provided, single submitter. Criteria: ACMG Guidelines, 2015. Collection method: clinical testing. Allele origin: germline.

Literature cited by the submitters: PubMed 30975432 (cited by Labcorp Genetics (formerly Invitae), Labcorp).

NM_002168.4(IDH2):c.293T>C (p.Ile98Thr)

Gene: IDH2 (isocitrate dehydrogenase (NADP(+)) 2; minus strand). Cytogenetic location: 15q26.1.
Variant type: single nucleotide variant.
Coding change: c.293T>C on transcript NM_002168.4 (MANE Select); coding-DNA position 293, T replaced by C.
Protein change: p.Ile98Thr; replaces isoleucine 98 with threonine.
Molecular consequence: missense variant. On other transcripts: intron variant (1).
Genome position (GRCh38, 1-based): chr15:90,090,559, A>G on the plus strand (T>C on the coding strand, the complement: IDH2 is on the minus strand). VCF-style: chr15-90090559-A-G. GRCh37 (hg19) VCF-style: chr15-90633791-A-G.
Other names: c.137T>C, p.Ile46Thr (NM_001289910.1); c.-17-1812T>C (NM_001290114.2); short protein forms I98T, I46T.
Identifiers: ClinVar variation 837402 (VCV000837402.9), dbSNP rs139512088, ClinGen allele CA7733230.